The following is an entry in ClinVar:

NM_001048174.2(MUTYH):c.1535A>C (p.Asp512Ala)

Gene: MUTYH (mutY DNA glycosylase; minus strand). Cytogenetic location: 1p34.1.
Variant type: single nucleotide variant.
Coding change: c.1535A>C on transcript NM_001048174.2 (MANE Select); coding-DNA position 1535, A replaced by C.
Protein change: p.Asp512Ala; replaces aspartic acid 512 with alanine.
Molecular consequence: missense variant. On other transcripts: non-coding transcript variant (7).
Genome position (GRCh38, 1-based): chr1:45,329,337, T>G on the plus strand (A>C on the coding strand, the complement: MUTYH is on the minus strand). VCF-style: chr1-45329337-T-G. GRCh37 (hg19) VCF-style: chr1-45795009-T-G.
Other names: c.1496A>C, p.Asp499Ala (NM_001407079.1); c.1493A>C, p.Asp498Ala (NM_001407080.1); c.1535A>C, p.Asp512Ala (NM_001407081.1, NM_001407088.1, NM_001407089.1 and 6 more transcripts); c.1190A>C, p.Asp397Ala (NM_001407082.1, NM_001350650.2, NM_001350651.2); c.1577A>C, p.Asp526Ala (NM_001407083.1, NM_001407085.1); c.1538A>C, p.Asp513Ala (NM_001407086.1, NM_001048172.2, NM_001407071.1 and 1 more transcripts); c.1556A>C, p.Asp519Ala (NM_001407087.1); c.1619A>C, p.Asp540Ala (NM_001128425.2); and 5 more; short protein forms D397A, D484A, D498A, D512A, D527A, D519A, D523A, D526A.
Identifiers: ClinVar variation 4113449 (VCV004113449.1).

ClinVar aggregate classification (germline): Uncertain significance (1 of 4 stars; one submission).

Conditions:
Hereditary cancer-predisposing syndrome. Also called: Hereditary neoplastic syndrome; Neoplastic Syndromes, Hereditary; Tumor predisposition; Hereditary Cancer Syndrome. Identifiers: Orphanet 140162, MedGen C0027672, MeSH D009386, MONDO:0015356.

Submission:

Ambry Genetics
Classification: Uncertain significance for Hereditary cancer-predisposing syndrome. Last evaluated: 2025-08-27. Review status: criteria provided, single submitter. Criteria: Ambry Variant Classification Scheme 2023. Collection method: clinical testing. Allele origin: germline.
Comment: The p.D540A variant (also known as c.1619A>C), located in coding exon 16 of the MUTYH gene, results from an A to C substitution at nucleotide position 1619. The aspartic acid at codon 540 is replaced by alanine, an amino acid with dissimilar properties. This amino acid position is conserved. In addition, this alteration is predicted to be tolerated by in silico analysis. Based on the available evidence, the clinical significance of this variant remains unclear.